The following is an entry in ClinVar:

ClinVar aggregate classification (germline): Likely pathogenic (1 of 4 stars; one submission).

Conditions:
Myopathy, proximal, and ophthalmoplegia (CMYO6). Also called: MYOPATHY WITH CONGENITAL JOINT CONTRACTURES, OPHTHALMOPLEGIA, AND RIMMED VACUOLES; INCLUSION BODY MYOPATHY 3, AUTOSOMAL DOMINANT; CONGENITAL MYOPATHY 6 WITH OPHTHALMOPLEGIA. Identifiers: Orphanet 363677, Orphanet 79091, MedGen C1854106, MONDO:0011577, OMIM 605637.

Allele frequency attached by ClinVar (database versions not stated): TOPMed below 0.00001; ExAC 0.00001; gnomAD exomes 0.00001.
gnomAD v4.1: 11 of 1,614,110 alleles (0.00068%); highest among the groups gnomAD compares: Admixed American, 0.005%; no homozygotes.

Submission:

Labcorp Genetics (formerly Invitae), Labcorp
Classification: Likely pathogenic for Myopathy, proximal, and ophthalmoplegia. Last evaluated: 2021-08-21. Review status: criteria provided, single submitter. Criteria: Invitae Variant Classification Sherloc (09022015). Collection method: clinical testing. Allele origin: germline.
Comment: This sequence change affects a donor splice site in intron 6 of the MYH2 gene. It is expected to disrupt RNA splicing. Variants that disrupt the donor or acceptor splice site typically lead to a loss of protein function (PMID: 16199547), and loss-of-function variants in MYH2 are known to be pathogenic (PMID: 20418530, 23388406, 24193343). The frequency data for this variant in the population databases is considered unreliable, as metrics indicate poor data quality at this position in the ExAC database. This variant has not been reported in the literature in individuals affected with MYH2-related conditions. Algorithms developed to predict the effect of sequence changes on RNA splicing suggest that this variant may disrupt the consensus splice site. In summary, the currently available evidence indicates that the variant is pathogenic, but additional data are needed to prove that conclusively. Therefore, this variant has been classified as Likely Pathogenic.

Literature cited by the submitters: PubMed 16199547; PubMed 20418530; PubMed 23388406; PubMed 24193343.

NM_017534.6(MYH2):c.533+1G>A

Genes: MYH2 (myosin heavy chain 2; minus strand), MYHAS (myosin heavy chain gene cluster antisense RNA; plus strand), LOC126862501 (CDK7 strongly-dependent group 2 enhancer GRCh37_chr17:10446256-10447455; plus strand). Cytogenetic location: 17p13.1.
Variant type: single nucleotide variant.
Coding change: c.533+1G>A on transcript NM_017534.6 (MANE Select); the canonical splice donor site of the intron after coding-DNA position 533, G replaced by A.
Molecular consequence: splice donor variant.
Genome position (GRCh38, 1-based): chr17:10,544,099, C>T on the plus strand (G>A on the coding strand, the complement: MYH2 is on the minus strand). VCF-style: chr17-10544099-C-T. GRCh37 (hg19) VCF-style: chr17-10447416-C-T.
Other names: c.533+1G>A (NM_001100112.2).
Identifiers: ClinVar variation 1507284 (VCV001507284.6), dbSNP rs754104695, ClinGen allele CA8391608.